The following is an entry in ClinVar:

NM_181523.3(PIK3R1):c.104_105delinsAC (p.Gly35Asp)

Gene: PIK3R1 (phosphoinositide-3-kinase regulatory subunit 1; plus strand). Cytogenetic location: 5q13.1.
Variant type: Indel.
Coding change: c.104_105delinsAC on transcript NM_181523.3 (MANE Select); coding-DNA positions 104 to 105, GG replaced by AC.
Protein change: p.Gly35Asp; replaces glycine 35 with aspartic acid.
Molecular consequence: missense variant.
Genome position (GRCh38, 1-based): chr5:68,226,779-68,226,780, GG replaced by AC. VCF-style: chr5-68226779-GG-AC. GRCh37 (hg19) VCF-style: chr5-67522607-GG-AC.
Other names: short protein forms G35D.
Identifiers: ClinVar variation 2103702 (VCV002103702.4), dbSNP rs2530796781, ClinGen allele CA2580073384.
Genomic context (GRCh38, chr5:68,226,779, plus strand): 5'-AAAAGGAAAGAGAAGAAGATATTGACTTGCACTTGGGTGACATATTGACTGTGAATAAAG[GG>AC]TCCTTAGTAGCTCTTGGATTCAGTGATGGACAGGAAGCCAGGCCTGAAGAAATTGGCTGG-3'
Protein context (NP_852664.1, residues 25-45): HLGDILTVNK[Gly35Asp]SLVALGFSDG

ClinVar aggregate classification (germline): Uncertain significance (1 of 4 stars; one submission).

Conditions:
SHORT syndrome. Also called: SHORT STATURE, HYPEREXTENSIBILITY, HERNIA, OCULAR DEPRESSION, RIEGER ANOMALY, AND TEETHING DELAY; PIK3R1-Related SHORT Syndrome; LIPODYSTROPHY, PARTIAL, WITH RIEGER ANOMALY AND SHORT STATURE. Identifiers: Orphanet 3163, MedGen C0878684, MONDO:0010026, OMIM 269880.
Agammaglobulinemia 7, autosomal recessive (AGM7). Also called: AGAMMAGLOBULINEMIA, AUTOSOMAL RECESSIVE, DUE TO PIK3R1 DEFECT. Identifiers: MedGen C3554689, MONDO:0014083, OMIM 615214.
Immunodeficiency 36 with lymphoproliferation. Also called: ACTIVATED PI3K-DELTA SYNDROME 2; Immunodeficiency 36; Activated PI3K Delta Syndrome Type 2 (APDS2). Identifiers: Orphanet 397596, Orphanet 693681, MedGen C4014934, MONDO:0014453, OMIM 616005.

Submission:

Labcorp Genetics (formerly Invitae), Labcorp
Classification: Uncertain significance for SHORT syndrome; Immunodeficiency 36 with lymphoproliferation; Agammaglobulinemia 7, autosomal recessive. Last evaluated: 2024-04-10. Review status: criteria provided, single submitter. Criteria: Invitae Variant Classification Sherloc (09022015). Collection method: clinical testing. Allele origin: germline.
Comment: This sequence change replaces glycine, which is neutral and non-polar, with aspartic acid, which is acidic and polar, at codon 35 of the PIK3R1 protein (p.Gly35Asp). Information on the frequency of this variant in the gnomAD database is not available, as this variant may be reported differently in the database. This variant has not been reported in the literature in individuals affected with PIK3R1-related conditions. ClinVar contains an entry for this variant (Variation ID: 2103702). An algorithm developed to predict the effect of missense changes on protein structure and function (PolyPhen-2) suggests that this variant is likely to be disruptive. In summary, the available evidence is currently insufficient to determine the role of this variant in disease. Therefore, it has been classified as a Variant of Uncertain Significance.